The following is an entry in ClinVar:

NM_001195.5(BFSP1):c.657C>T (p.Ala219=)

Gene: BFSP1 (beaded filament structural protein 1; minus strand). Cytogenetic location: 20p12.1.
Variant type: single nucleotide variant.
Coding change: c.657C>T on transcript NM_001195.5 (MANE Select); coding-DNA position 657, C replaced by T.
Protein change: p.Ala219=; no amino-acid change (alanine 219 retained).
Molecular consequence: synonymous variant. On other transcripts: intron variant (1).
Genome position (GRCh38, 1-based): chr20:17,508,967, G>A on the plus strand (C>T on the coding strand, the complement: BFSP1 is on the minus strand). VCF-style: chr20-17508967-G-A. GRCh37 (hg19) VCF-style: chr20-17489612-G-A.
Other names: c.282C>T, p.Ala94= (NM_001161705.2); c.240C>T, p.Ala80= (NM_001278606.2, NM_001278608.2); c.324C>T, p.Ala108= (NM_001278607.2); c.627+3009C>T (NM_001424338.1).
Identifiers: ClinVar variation 3032569 (VCV003032569.3), dbSNP rs150736032, ClinGen allele CA9772253.

ClinVar aggregate classification (germline): Benign. Review status: criteria provided, single submitter (1 of 4 stars). 2 submissions from 2 submitters: Benign (1). 1 of the submissions does not count toward it. Last evaluated 2025-07-31.

Conditions:
Cataract 33. Also called: CATARACT 33, CORTICAL. Identifiers: Orphanet 91492, MedGen C3808107, MONDO:0012665, OMIM 611391.
BFSP1-related disorder. Also called: BFSP1-related condition.

Allele frequency attached by ClinVar (database versions not stated): TOPMed 0.00005; ESP Exome Variant Server 0.00008; gnomAD 0.00012; gnomAD exomes 0.00019; ExAC 0.00076; 1000 Genomes Project 0.00100; 1000 Genomes Project 30x 0.00125.
gnomAD v4.1: 296 of 1,600,568 alleles (0.018%); highest among the groups gnomAD compares: South Asian, 0.28%; 1 homozygote.

Submissions (2):

Labcorp Genetics (formerly Invitae), Labcorp
Classification: Benign for Cataract 33. Last evaluated: 2025-07-31. Review status: criteria provided, single submitter. Criteria: Invitae Variant Classification Sherloc (09022015). Collection method: clinical testing. Allele origin: germline.

PreventionGenetics, part of Exact Sciences
Classification: Likely benign for BFSP1-related condition. Last evaluated: 2022-05-06. Review status: no assertion criteria provided. Collection method: clinical testing. Allele origin: germline. Not counted in ClinVar's aggregate classification.
Comment: This variant is classified as likely benign based on ACMG/AMP sequence variant interpretation guidelines (Richards et al. 2015 PMID: 25741868, with internal and published modifications).